The following is an entry in ClinVar:

NC_000009.11:g.(?_129376729)_(129377868_?)del

Gene: LMX1B (LIM homeobox transcription factor 1 beta; plus strand). Cytogenetic location: 9q33.3.
Variant type: Deletion.
Identifiers: ClinVar variation 2424403 (VCV002424403.3).

ClinVar aggregate classification (germline): Pathogenic (1 of 4 stars; one submission).

Submission:

Labcorp Genetics (formerly Invitae), Labcorp
Classification: Pathogenic. Last evaluated: 2022-08-20. Review status: criteria provided, single submitter. Criteria: Invitae Variant Classification Sherloc (09022015). Collection method: clinical testing. Allele origin: germline.
Comment: This variant is a gross deletion of the genomic region encompassing exon(s) 1-2 of the LMX1B gene, which includes the initiator codon. This deletion extends beyond the assayed region for this gene and therefore may encompass additional genes. It is expected to result in an absent or disrupted protein product. Loss-of-function variants in LMX1B are known to be pathogenic (PMID: 9590287, 15498463). This variant has not been reported in the literature in individuals affected with LMX1B-related conditions. For these reasons, this variant has been classified as Pathogenic.

Literature cited by the submitters: PubMed 9590287; PubMed 15498463.